The following is an entry in ClinVar:

NM_002180.3(IGHMBP2):c.184C>G (p.Arg62Gly)

Gene: IGHMBP2 (immunoglobulin mu DNA binding protein 2; plus strand). Cytogenetic location: 11q13.3.
Variant type: single nucleotide variant.
Coding change: c.184C>G on transcript NM_002180.3 (MANE Select); coding-DNA position 184, C replaced by G.
Protein change: p.Arg62Gly; replaces arginine 62 with glycine.
Molecular consequence: missense variant.
Genome position (GRCh38, 1-based): chr11:68,906,166, C>G. VCF-style: chr11-68906166-C-G. GRCh37 (hg19) VCF-style: chr11-68673634-C-G.
Other names: short protein forms R62G.
Identifiers: ClinVar variation 1037216 (VCV001037216.41), dbSNP rs768631087, ClinGen allele CA6153209.

ClinVar aggregate classification (germline): Uncertain significance. Review status: criteria provided, multiple submitters, no conflicts (2 of 4 stars). 3 submissions from 3 submitters: Uncertain significance (3). Last evaluated 2022-03-11.

Conditions:
Inborn genetic diseases. Identifiers: MedGen C0950123, MeSH D030342.
Charcot-Marie-Tooth disease axonal type 2S. Also called: CHARCOT-MARIE-TOOTH NEUROPATHY, TYPE 2S; CHARCOT-MARIE-TOOTH DISEASE, AXONAL, AUTOSOMAL RECESSIVE, TYPE 2S. Identifiers: Orphanet 443073, MedGen C4015349, MONDO:0014511, OMIM 616155.
Autosomal recessive distal spinal muscular atrophy 1. Also called: HMN VI; SPINAL MUSCULAR ATROPHY, DIAPHRAGMATIC; Spinal muscular atrophy with respiratory distress 1; NEURONOPATHY, DISTAL HEREDITARY MOTOR, HARDING TYPE VI; NEUROPATHY, DISTAL HEREDITARY MOTOR, AUTOSOMAL RECESSIVE 1; NEURONOPATHY, SEVERE INFANTILE AXONAL, WITH RESPIRATORY FAILURE. Identifiers: Orphanet 98920, MedGen C1858517, MONDO:0011436, OMIM 604320.

Allele frequency attached by ClinVar (database versions not stated): ExAC 0.00001; TOPMed 0.00001.
gnomAD v4.1: 4 of 1,614,052 alleles (0.00025%); highest among the groups gnomAD compares: African/African-American, 0.0013%; no homozygotes.

Submissions (3):

Labcorp Genetics (formerly Invitae), Labcorp
Classification: Uncertain significance for Autosomal recessive distal spinal muscular atrophy 1; Charcot-Marie-Tooth disease axonal type 2S. Last evaluated: 2022-03-11. Review status: criteria provided, single submitter. Criteria: Invitae Variant Classification Sherloc (09022015). Collection method: clinical testing. Allele origin: germline.
Comment: This sequence change replaces arginine, which is basic and polar, with glycine, which is neutral and non-polar, at codon 62 of the IGHMBP2 protein (p.Arg62Gly). This variant is present in population databases (rs768631087, gnomAD 0.01%). This variant has not been reported in the literature in individuals affected with IGHMBP2-related conditions. ClinVar contains an entry for this variant (Variation ID: 1037216). Algorithms developed to predict the effect of missense changes on protein structure and function are either unavailable or do not agree on the potential impact of this missense change (SIFT: "Deleterious"; PolyPhen-2: "Probably Damaging"; Align-GVGD: "Class C0"). In summary, the available evidence is currently insufficient to determine the role of this variant in disease. Therefore, it has been classified as a Variant of Uncertain Significance.

CeGaT Center for Human Genetics Tuebingen
Classification: Uncertain significance. Last evaluated: 2021-09-01. Review status: criteria provided, single submitter. Criteria: CeGaT Center For Human Genetics Tuebingen Variant Classification Criteria Version 2. Collection method: clinical testing. Allele origin: germline. Affected: yes. Observed: 1 variant allele.

Ambry Genetics
Classification: Uncertain significance for Inborn genetic diseases. Last evaluated: 2019-09-03. Review status: criteria provided, single submitter. Criteria: Ambry Variant Classification Scheme 2023. Collection method: clinical testing. Allele origin: germline.
Comment: The p.R62G variant (also known as c.184C>G), located in coding exon 2 of the IGHMBP2 gene, results from a C to G substitution at nucleotide position 184. The arginine at codon 62 is replaced by glycine, an amino acid with dissimilar properties. This amino acid position is not well conserved in available vertebrate species. In addition, the in silico prediction for this alteration is inconclusive. Since supporting evidence is limited at this time, the clinical significance of this alteration remains unclear.